The following is an entry in ClinVar:

ClinVar aggregate classification (germline): Uncertain significance. Review status: criteria provided, single submitter (1 of 4 stars). 2 submissions from 2 submitters: Uncertain significance (1). 1 of the submissions does not count toward it. Last evaluated 2024-07-22.

Conditions:
PLXNA1-related disorder. Also called: PLXNA1-related condition.

Allele frequency attached by ClinVar (database versions not stated): gnomAD exomes 0.00002.
gnomAD v4.1: 32 of 1,612,962 alleles (0.002%); highest among the groups gnomAD compares: South Asian, 0.0055%; no homozygotes.

Submissions (2):

Ambry Genetics
Classification: Uncertain significance. Last evaluated: 2024-07-22. Review status: criteria provided, single submitter. Criteria: Ambry Variant Classification Scheme 2023. Collection method: clinical testing. Allele origin: germline.

PreventionGenetics, part of Exact Sciences
Classification: Uncertain significance for PLXNA1-related condition. Last evaluated: 2024-05-27. Review status: no assertion criteria provided. Collection method: clinical testing. Allele origin: germline. Not counted in ClinVar's aggregate classification.
Comment: The PLXNA1 c.4556C>T variant is predicted to result in the amino acid substitution p.Pro1519Leu. To our knowledge, this variant has not been reported in the literature. This variant is reported in 0.0066% of alleles in individuals of South Asian descent in gnomAD. At this time, the clinical significance of this variant is uncertain due to the absence of conclusive functional and genetic evidence.

NM_032242.4(PLXNA1):c.4556C>T (p.Pro1519Leu)

Gene: PLXNA1 (plexin A1; plus strand). Cytogenetic location: 3q21.3.
Variant type: single nucleotide variant.
Coding change: c.4556C>T on transcript NM_032242.4 (MANE Select); coding-DNA position 4556, C replaced by T.
Protein change: p.Pro1519Leu; replaces proline 1519 with leucine.
Molecular consequence: missense variant.
Genome position (GRCh38, 1-based): chr3:127,028,227, C>T. VCF-style: chr3-127028227-C-T. GRCh37 (hg19) VCF-style: chr3-126747070-C-T.
Other names: short protein forms P1519L.
Identifiers: ClinVar variation 2634188 (VCV002634188.3), dbSNP rs768988256, ClinGen allele CA2594410.